The following is an entry in ClinVar:

ClinVar aggregate classification (germline): Uncertain significance. Review status: criteria provided, multiple submitters, no conflicts (2 of 4 stars). 2 submissions from 2 submitters: Uncertain significance (2). Last evaluated 2025-10-15.

Conditions:
Inborn genetic diseases. Identifiers: MedGen C0950123, MeSH D030342.

Allele frequency attached by ClinVar (database versions not stated): ExAC 0.00001; TOPMed 0.00002; gnomAD 0.00003.
gnomAD v4.1: 30 of 1,605,314 alleles (0.0019%); highest among the groups gnomAD compares: Non-Finnish European, 0.0025%; no homozygotes.

Submissions (2):

GeneDx
Classification: Uncertain significance. Last evaluated: 2025-10-15. Review status: criteria provided, single submitter. Criteria: GeneDx Variant Classification Process June 2021. Collection method: clinical testing. Allele origin: germline. Affected: yes.
Comment: Not observed at significant frequency in large population cohorts (gnomAD); In silico analysis suggests that this missense variant does not alter protein structure/function; Has not been previously published as pathogenic or benign to our knowledge

Ambry Genetics
Classification: Uncertain significance for Inborn genetic diseases. Last evaluated: 2024-09-08. Review status: criteria provided, single submitter. Criteria: Ambry Variant Classification Scheme 2023. Collection method: clinical testing. Allele origin: germline.

NM_001160372.4(TRAPPC9):c.3117C>A (p.Asp1039Glu)

Gene: TRAPPC9 (trafficking protein particle complex subunit 9; minus strand). Cytogenetic location: 8q24.3.
Variant type: single nucleotide variant.
Coding change: c.3117C>A on transcript NM_001160372.4 (MANE Select); coding-DNA position 3117, C replaced by A.
Protein change: p.Asp1039Glu; replaces aspartic acid 1039 with glutamic acid.
Molecular consequence: missense variant. On other transcripts: non-coding transcript variant (1).
Genome position (GRCh38, 1-based): chr8:139,732,141, G>T on the plus strand (C>A on the coding strand, the complement: TRAPPC9 is on the minus strand). VCF-style: chr8-139732141-G-T. GRCh37 (hg19) VCF-style: chr8-140744384-G-T.
Other names: c.3117C>A, p.Asp1039Glu (NM_031466.8); c.3090C>A, p.Asp1030Glu (NM_001321646.2); c.3138C>A, p.Asp1046Glu (NM_001374682.1); c.3006C>A, p.Asp1002Glu (NM_001374683.1); c.2973C>A, p.Asp991Glu (NM_001374684.1); short protein forms D1002E, D1030E, D1039E, D1046E, D991E.
Identifiers: ClinVar variation 2571997 (VCV002571997.4), dbSNP rs778800168, ClinGen allele CA4892804.